The following is an entry in ClinVar:

ClinVar aggregate classification (germline): Likely pathogenic (1 of 4 stars; one submission).

Conditions:
Alpha-1-antitrypsin deficiency (A1ATD). Also called: AAT deficiency; A1AT deficiency; Alpha1-Antitrypsin Deficiency. Identifiers: Orphanet 60, MedGen C0221757, MONDO:0013282, OMIM 613490.

Submission:

Servicio Canario de Salud, Hospital Universitario Nuestra Sra. de Candelaria
Classification: Likely pathogenic for Alpha-1-antitrypsin deficiency. Last evaluated: 2023-10-25. Review status: criteria provided, single submitter. Criteria: ACMG Guidelines, 2015. Collection method: clinical testing. Allele origin: germline. Inheritance: Autosomal recessive inheritance. Affected: yes. Observed: 1 compound heterozygote.
Comment: This variant was in co-occurrency with the S allele (PI*S) . This variant has never been reported in SERPINA1 related-disorders. Null alleles variants in SERPINA1 are known to be pathogenic. This variant was absent from large population studies (gnomAD no frequency). In summary, the available evidence for c.250_257dup, (p.Met87Profs*21) SERPINA1 variant meets our criteria to be classified as Likely Pathogenic based upon its absence from controls and computational evidence of pathogenicity.

NM_000295.5(SERPINA1):c.250_257dup (p.Met87fs)

Gene: SERPINA1 (serpin family A member 1; minus strand). Cytogenetic location: 14q32.13.
Variant type: Duplication.
Coding change: c.250_257dup on transcript NM_000295.5 (MANE Select); coding-DNA positions 250 to 257, 8 bases duplicated (GCCTTTGC; older notation c.250_257dupGCCTTTGC).
Protein change: p.Met87fs; shifts the reading frame from methionine 87.
Molecular consequence: frameshift variant.
Genome position (GRCh38, 1-based): chr14:94,382,981-94,382,988, GCAAAGGC duplicated on the plus strand (GCCTTTGC on the coding strand, the reverse complement: SERPINA1 is on the minus strand). VCF-style (leftmost placement, unchanged base first): chr14-94382980-T-TGCAAAGGC. GRCh37 (hg19) VCF-style: chr14-94849317-T-TGCAAAGGC.
Other names: c.250_257dup, p.Met87fs (NM_001002235.3, NM_001002236.3, NM_001127700.2 and 7 more transcripts); short protein forms M87fs.
Identifiers: ClinVar variation 2626789 (VCV002626789.2), dbSNP rs2504780722, ClinGen allele CA2582341765.
Genomic context (GRCh38, chr14:94,382,980, plus strand): 5'-GAAATTCAGGCCCTCCAGGATTTCATCGTGAGTGTCAGCCTTGGTCCCCAGGGAGAGCAT[T>TGCAAAGGC]GCAAAGGCTGTAGCGATGCTCACTGGGGAGAAGAAGATATTGGTGCTGTTGGACTGGTGT-3'